The following is an entry in ClinVar:

NM_000038.6(APC):c.8437A>T (p.Thr2813Ser)

Gene: APC (APC regulator of Wnt signaling pathway; plus strand). Cytogenetic location: 5q22.2.
Variant type: single nucleotide variant.
Coding change: c.8437A>T on transcript NM_000038.6 (MANE Select); coding-DNA position 8437, A replaced by T.
Protein change: p.Thr2813Ser; replaces threonine 2813 with serine.
Molecular consequence: missense variant.
Genome position (GRCh38, 1-based): chr5:112,844,031, A>T. VCF-style: chr5-112844031-A-T. GRCh37 (hg19) VCF-style: chr5-112179728-A-T.
Other names: c.8437A>T, p.Thr2813Ser (NM_001354895.2, NM_001127510.3); c.8491A>T, p.Thr2831Ser (NM_001354896.2); c.8467A>T, p.Thr2823Ser (NM_001354897.2); c.8362A>T, p.Thr2788Ser (NM_001354898.2); c.8134A>T, p.Thr2712Ser (NM_001354903.2); c.8353A>T, p.Thr2785Ser (NM_001354899.2); c.8260A>T, p.Thr2754Ser (NM_001354901.2); c.8164A>T, p.Thr2722Ser (NM_001354902.2); and 5 more; short protein forms T2795S, T2813S, T2712S, T2722S, T2785S, T2687S, T2530S, T2653S.
Identifiers: ClinVar variation 629012 (VCV000629012.5), dbSNP rs1326143606, ClinGen allele CA16039636.

ClinVar aggregate classification (germline): Uncertain significance (1 of 4 stars; one submission).

Conditions:
Hereditary cancer-predisposing syndrome. Also called: Neoplastic Syndromes, Hereditary; Tumor predisposition; Hereditary neoplastic syndrome; Hereditary Cancer Syndrome. Identifiers: Orphanet 140162, MedGen C0027672, MeSH D009386, MONDO:0015356.

Submission:

Color Diagnostics, LLC DBA Color Health
Classification: Uncertain significance for Hereditary cancer-predisposing syndrome. Last evaluated: 2023-12-04. Review status: criteria provided, single submitter. Criteria: ACMG Guidelines, 2015. Collection method: clinical testing. Allele origin: germline.
Comment: This missense variant replaces threonine with serine at codon 2813 of the APC protein. Computational prediction suggests that this variant may not impact protein structure and function (internally defined REVEL score threshold <= 0.5, PMID: 27666373). To our knowledge, functional studies have not been reported for this variant. This variant has not been reported in individuals affected with APC-related disorders in the literature. This variant has not been identified in the general population by the Genome Aggregation Database (gnomAD). The available evidence is insufficient to determine the role of this variant in disease conclusively. Therefore, this variant is classified as a Variant of Uncertain Significance.